The following is an entry in ClinVar:

NM_001354768.3(NRL):c.187G>A (p.Glu63Lys)

Gene: NRL (neural retina leucine zipper; minus strand). Cytogenetic location: 14q11.2.
Variant type: single nucleotide variant.
Coding change: c.187G>A on transcript NM_001354768.3 (MANE Select); coding-DNA position 187, G replaced by A.
Protein change: p.Glu63Lys; replaces glutamic acid 63 with lysine.
Molecular consequence: missense variant. On other transcripts: intron variant (1).
Genome position (GRCh38, 1-based): chr14:24,082,662, C>T on the plus strand (G>A on the coding strand, the complement: NRL is on the minus strand). VCF-style: chr14-24082662-C-T. GRCh37 (hg19) VCF-style: chr14-24551871-C-T.
Other names: c.187G>A, p.Glu63Lys (NM_001354769.1, NM_006177.5); c.66+121G>A (NM_001354770.2); short protein forms E63K.
Identifiers: ClinVar variation 850348 (VCV000850348.9), dbSNP rs147620225, ClinGen allele CA7122913.

ClinVar aggregate classification (germline): Uncertain significance. Review status: criteria provided, multiple submitters, no conflicts (2 of 4 stars). 3 submissions from 3 submitters: Uncertain significance (3). Last evaluated 2026-08-17.

Conditions:
NRL-related disorder. Also called: NRL-related condition.

Allele frequency attached by ClinVar (database versions not stated): ExAC 0.00009; gnomAD exomes 0.00010 and 0.00047; ESP Exome Variant Server 0.00023; TOPMed 0.00023; gnomAD 0.00029 and 0.00034.
gnomAD v4.1: 712 of 1,613,932 alleles (0.044%); highest among the groups gnomAD compares: Non-Finnish European, 0.057%; 1 homozygote.

Submissions (3):

PreventionGenetics, part of Exact Sciences
Classification: Uncertain significance for NRL-related condition. Last evaluated: 2026-08-17. Review status: criteria provided, single submitter. Criteria: ACMG Guidelines, 2015. Collection method: clinical testing. Allele origin: germline.
Comment: The NRL c.187G>A variant is predicted to result in the amino acid substitution p.Glu63Lys. This variant has been reported in an individual with cone dysfunction syndrome (Nishiguchi et al. 2004. PubMed ID: 15591106). However, this variant is reported in 0.060% of alleles in individuals of African descent in gnomAD, which may be too frequent to be a primary cause of disease. Although we suspect that this variant may be benign, the clinical significance of this variant is currently classified as uncertain due to the absence of conclusive functional and genetic evidence.

Labcorp Genetics (formerly Invitae), Labcorp
Classification: Uncertain significance. Last evaluated: 2026-01-12. Review status: criteria provided, single submitter. Criteria: Invitae Variant Classification Sherloc (09022015). Collection method: clinical testing. Allele origin: germline.
Comment: This sequence change replaces glutamic acid, which is acidic and polar, with lysine, which is basic and polar, at codon 63 of the NRL protein (p.Glu63Lys). This variant is present in population databases (rs147620225, gnomAD 0.06%). This missense change has been observed in individual(s) with cone dysfunction syndrome (PMID: 15591106). ClinVar contains an entry for this variant (Variation ID: 850348). An algorithm developed to predict the effect of missense changes on protein structure and function (PolyPhen-2) suggests that this variant is likely to be tolerated. Experimental studies are conflicting or provide insufficient evidence to determine the effect of this variant on NRL function (PMID: 17335001). In summary, the available evidence is currently insufficient to determine the role of this variant in disease. Therefore, it has been classified as a Variant of Uncertain Significance.

Blueprint Genetics
Classification: Uncertain significance. Last evaluated: 2022-09-26. Review status: criteria provided, single submitter. Criteria: ACMG Guidelines, 2015. Collection method: clinical testing. Allele origin: germline.

Literature cited by the submitters: PubMed 15591106 (cited by Labcorp Genetics (formerly Invitae), Labcorp); PubMed 17335001 (cited by Labcorp Genetics (formerly Invitae), Labcorp).